The following is an entry in ClinVar:

ClinVar aggregate classification (germline): Uncertain significance (1 of 4 stars; one submission).

Submission:

Labcorp Genetics (formerly Invitae), Labcorp
Classification: Uncertain significance. Last evaluated: 2024-03-28. Review status: criteria provided, single submitter. Criteria: Invitae Variant Classification Sherloc (09022015). Collection method: clinical testing. Allele origin: germline.
Comment: This sequence change replaces alanine, which is neutral and non-polar, with valine, which is neutral and non-polar, at codon 745 of the RAI1 protein (p.Ala745Val). This variant is not present in population databases (gnomAD no frequency). This variant has not been reported in the literature in individuals affected with RAI1-related conditions. Advanced modeling of protein sequence and biophysical properties (such as structural, functional, and spatial information, amino acid conservation, physicochemical variation, residue mobility, and thermodynamic stability) performed at Invitae indicates that this missense variant is not expected to disrupt RAI1 protein function with a negative predictive value of 80%. In summary, the available evidence is currently insufficient to determine the role of this variant in disease. Therefore, it has been classified as a Variant of Uncertain Significance.

NM_030665.4(RAI1):c.2234C>T (p.Ala745Val)

Gene: RAI1 (retinoic acid induced 1; plus strand). Cytogenetic location: 17p11.2.
Variant type: single nucleotide variant.
Coding change: c.2234C>T on transcript NM_030665.4 (MANE Select); coding-DNA position 2234, C replaced by T.
Protein change: p.Ala745Val; replaces alanine 745 with valine.
Molecular consequence: missense variant.
Genome position (GRCh38, 1-based): chr17:17,795,182, C>T. VCF-style: chr17-17795182-C-T. GRCh37 (hg19) VCF-style: chr17-17698496-C-T.
Other names: short protein forms A745V.
Identifiers: ClinVar variation 3647957 (VCV003647957.2).